The following is an entry in ClinVar:

NM_000069.3(CACNA1S):c.2093A>G (p.Lys698Arg)

Gene: CACNA1S (calcium voltage-gated channel subunit alpha1 S; minus strand). Cytogenetic location: 1q32.1.
Variant type: single nucleotide variant.
Coding change: c.2093A>G on transcript NM_000069.3 (MANE Select); coding-DNA position 2093, A replaced by G.
Protein change: p.Lys698Arg; replaces lysine 698 with arginine.
Molecular consequence: missense variant.
Genome position (GRCh38, 1-based): chr1:201,073,613, T>C on the plus strand (A>G on the coding strand, the complement: CACNA1S is on the minus strand). VCF-style: chr1-201073613-T-C. GRCh37 (hg19) VCF-style: chr1-201042741-T-C.
Other names: short protein forms K698R.
Identifiers: ClinVar variation 4756254 (VCV004756254.1).

ClinVar aggregate classification (germline): Uncertain significance (1 of 4 stars; one submission).

Conditions:
Malignant hyperthermia, susceptibility to, 5 (MHS5). Also called: CACNA1S-Related Malignant Hyperthermia Susceptibility. Identifiers: Orphanet 423, MedGen C1866077, MONDO:0011163, OMIM 601887.

Submission:

Color Diagnostics, LLC DBA Color Health
Classification: Uncertain significance for Malignant hyperthermia, susceptibility to, 5. Last evaluated: 2025-09-01. Review status: criteria provided, single submitter. Criteria: ACMG Guidelines, 2015. Collection method: clinical testing. Allele origin: germline.
Comment: This missense variant replaces lysine with arginine at codon 698 of the CACNA1S protein. Computational prediction suggests that this variant may not impact protein structure and function. To our knowledge, functional studies have not been reported for this variant. This variant has not been reported in individuals affected with CACNA1S-related disorders in the literature. This variant has not been identified in the general population by the Genome Aggregation Database (gnomAD). The available evidence is insufficient to determine the role of this variant in disease conclusively. Therefore, this variant is classified as a Variant of Uncertain Significance.